The following is an entry in ClinVar:

ClinVar aggregate classification (germline): Benign/Likely benign. Review status: criteria provided, multiple submitters, no conflicts (2 of 4 stars). 5 submissions from 5 submitters: Benign (1); Likely benign (3). 1 of the submissions does not count toward it. Last evaluated 2026-02-23.

Conditions:
Charcot-Marie-Tooth disease type 4B3. Also called: Charcot-Marie-Tooth Neuropathy Type 4B3; CHARCOT-MARIE-TOOTH DISEASE, DEMYELINATING, TYPE 4B3. Identifiers: Orphanet 363981, MedGen C3695063, MONDO:0014117, OMIM 615284.
SBF1-related disorder. Also called: SBF1-related condition.

Allele frequency attached by ClinVar (database versions not stated): gnomAD 0.00014 and 0.00017; TOPMed 0.00030; 1000 Genomes Project 0.00060; 1000 Genomes Project 30x 0.00062; ExAC 0.00068; gnomAD exomes 0.00069.
gnomAD v4.1: 268 of 1,613,208 alleles (0.017%); highest among the groups gnomAD compares: Admixed American, 0.29%; 2 homozygotes.

Submissions (5):

Women's Health and Genetics/Laboratory Corporation of America, LabCorp
Classification: Likely benign. Last evaluated: 2026-02-23. Review status: criteria provided, single submitter. Criteria: LabCorp Variant Classification Summary - May 2015. Collection method: clinical testing. Allele origin: germline.

Labcorp Genetics (formerly Invitae), Labcorp
Classification: Benign. Last evaluated: 2026-01-01. Review status: criteria provided, single submitter. Criteria: Invitae Variant Classification Sherloc (09022015). Collection method: clinical testing. Allele origin: germline.

GeneDx
Classification: Likely benign. Last evaluated: 2020-12-03. Review status: criteria provided, single submitter. Criteria: GeneDx Variant Classification Process June 2021. Collection method: clinical testing. Allele origin: germline. Affected: yes.

ARUP Laboratories, Molecular Genetics and Genomics, ARUP Laboratories
Classification: Likely benign for Charcot-Marie-Tooth disease type 4B3. Last evaluated: 2020-04-17. Review status: criteria provided, single submitter. Criteria: ARUP Molecular Germline Variant Investigation Process. Collection method: clinical testing. Allele origin: germline.

PreventionGenetics, part of Exact Sciences
Classification: Likely benign for SBF1-related condition. Last evaluated: 2019-09-17. Review status: no assertion criteria provided. Collection method: clinical testing. Allele origin: germline. Not counted in ClinVar's aggregate classification.
Comment: This variant is classified as likely benign based on ACMG/AMP sequence variant interpretation guidelines (Richards et al. 2015 PMID: 25741868, with internal and published modifications).

NM_002972.4(SBF1):c.4521C>T (p.Pro1507=)

Gene: SBF1 (SET binding factor 1; minus strand). Cytogenetic location: 22q13.33.
Variant type: single nucleotide variant.
Coding change: c.4521C>T on transcript NM_002972.4 (MANE Select); coding-DNA position 4521, C replaced by T.
Protein change: p.Pro1507=; no amino-acid change (proline 1507 retained).
Molecular consequence: synonymous variant.
Genome position (GRCh38, 1-based): chr22:50,455,257, G>A on the plus strand (C>T on the coding strand, the complement: SBF1 is on the minus strand). VCF-style: chr22-50455257-G-A. GRCh37 (hg19) VCF-style: chr22-50893686-G-A.
Other names: c.4446C>T, p.Pro1482= (NM_001365819.1).
Identifiers: ClinVar variation 618358 (VCV000618358.23), dbSNP rs534889802, ClinGen allele CA10316237.